The following is an entry in ClinVar:

ClinVar aggregate classification (germline): Uncertain significance (1 of 4 stars; one submission).

Allele frequency attached by ClinVar (database versions not stated): gnomAD exomes below 0.00001.

Submission:

Ambry Genetics
Classification: Uncertain significance. Last evaluated: 2021-07-20. Review status: criteria provided, single submitter. Criteria: Ambry Variant Classification Scheme 2023. Collection method: clinical testing. Allele origin: germline.
Comment: The p.N681K variant (also known as c.2043C>A), located in coding exon 13 of the NPAT gene, results from a C to A substitution at nucleotide position 2043. The asparagine at codon 681 is replaced by lysine, an amino acid with similar properties. This amino acid position is conserved. In addition, this alteration is predicted to be tolerated by in silico analysis. Since supporting evidence is limited at this time, the clinical significance of this alteration remains unclear.

NM_002519.3(NPAT):c.2043C>A (p.Asn681Lys)

Gene: NPAT (nuclear protein, coactivator of histone transcription; minus strand). Cytogenetic location: 11q22.3.
Variant type: single nucleotide variant.
Coding change: c.2043C>A on transcript NM_002519.3 (MANE Select); coding-DNA position 2043, C replaced by A.
Protein change: p.Asn681Lys; replaces asparagine 681 with lysine.
Molecular consequence: missense variant.
Genome position (GRCh38, 1-based): chr11:108,172,941, G>T on the plus strand (C>A on the coding strand, the complement: NPAT is on the minus strand). VCF-style: chr11-108172941-G-T. GRCh37 (hg19) VCF-style: chr11-108043668-G-T.
Other names: c.2043C>A, p.Asn681Lys (NM_001321307.1); short protein forms N681K.
Identifiers: ClinVar variation 1784935 (VCV001784935.2), dbSNP rs1455317531, ClinGen allele CA382513805.